The following is an entry in ClinVar:

ClinVar aggregate classification (germline): Pathogenic/Likely pathogenic. Review status: criteria provided, multiple submitters, no conflicts (2 of 4 stars). 6 submissions from 6 submitters: Pathogenic (2); Likely pathogenic (3). 1 of the submissions does not count toward it. Last evaluated 2025-12-02.

Conditions:
Argininosuccinate lyase deficiency. Also called: Argininosuccinic aciduria; ARGININOSUCCINIC ACID LYASE DEFICIENCY; ASL DEFICIENCY. Identifiers: Orphanet 23, MedGen C0268547, MONDO:0008815, OMIM 207900, HP:0025630.

Allele frequency attached by ClinVar (database versions not stated): ExAC 0.00001; gnomAD 0.00001; gnomAD exomes 0.00001; TOPMed 0.00001.
gnomAD v4.1: 22 of 1,609,838 alleles (0.0014%); highest among the groups gnomAD compares: East Asian, 0.0045%; no homozygotes.

Submissions (6):

Labcorp Genetics (formerly Invitae), Labcorp
Classification: Pathogenic for Argininosuccinate lyase deficiency. Last evaluated: 2025-12-02. Review status: criteria provided, single submitter. Criteria: Invitae Variant Classification Sherloc (09022015). Collection method: clinical testing. Allele origin: germline.
Comment: This sequence change replaces arginine, which is basic and polar, with cysteine, which is neutral and slightly polar, at codon 95 of the ASL protein (p.Arg95Cys). The frequency data for this variant in the population databases is considered unreliable, as metrics indicate poor data quality at this position in the gnomAD database. This missense change has been observed in individual(s) with argininosuccinate lyase deficiency (PMID: 2263616). In at least one individual the data is consistent with being in trans (on the opposite chromosome) from a pathogenic variant. ClinVar contains an entry for this variant (Variation ID: 2398). Invitae Evidence Modeling of protein sequence and biophysical properties (such as structural, functional, and spatial information, amino acid conservation, physicochemical variation, residue mobility, and thermodynamic stability) indicates that this missense variant is expected to disrupt ASL protein function with a positive predictive value of 95%. Experimental studies have shown that this missense change affects ASL function (PMID: 2263616, 9045711, 25778938, 26745957). This variant disrupts the p.Arg95 amino acid residue in ASL. Other variant(s) that disrupt this residue have been observed in individuals with ASL-related conditions (PMID: 2263616, 24166829), which suggests that this may be a clinically significant amino acid residue. For these reasons, this variant has been classified as Pathogenic.

Natera, Inc.
Classification: Likely pathogenic for Argininosuccinate lyase deficiency. Last evaluated: 2025-05-22. Review status: criteria provided, single submitter. Criteria: Natera Variant Classification Schema (03/2026). Collection method: clinical testing. Allele origin: germline.
Comment: The c.283C>T variant in ASL is a missense variant predicted to cause substitution of arginine to cysteine at amino acid 95. This variant is rare in the general population with a frequency below the threshold expected for the associated phenotype(s). Functional studies show that this variant may disrupt protein function (PMID: 25778938). A different variant at the same position has been determined to be Pathogenic or Likely Pathogenic. Computational prediction algorithms indicate this variant is likely to affect gene or protein function. Given the available evidence, this variant is classified as Likely Pathogenic.

Revvity Omics, Revvity
Classification: Likely pathogenic for Argininosuccinate lyase deficiency. Last evaluated: 2022-04-01. Review status: criteria provided, single submitter. Criteria: ACMG Guidelines, 2015. Collection method: clinical testing. Allele origin: germline.

Dasa
Classification: Likely pathogenic for Argininosuccinate lyase deficiency. Last evaluated: 2022-03-25. Review status: criteria provided, single submitter. Criteria: ACMG Guidelines, 2015. Collection method: clinical testing. Allele origin: germline. Affected: yes. Observed: 1 variant allele.
Comment: The c.283C>T;p.(Arg95Cys) missense change has been observed in affected individual(s) and ClinVar contains an entry for this variant (ClinVar ID: 2398; PMID: 2263616; PMID: 25778938; PMID: 26745957; PMID: 9045711)-PS4. The variant is located in a mutational hot spot and/or critical and well-established functional domain (Lyase_1) - PM1. The variant is present at low allele frequencies population databases (rs28940585 – gnomAD 0.0001457%; ABraOM no frequency.) - PM2_supporting. Multiple lines of computational evidence support a deleterious effect on the gene or gene product - PP3. In summary, the currently available evidence indicates that the variant is likely pathogenic

Mendelics
Classification: Pathogenic for Argininosuccinate lyase deficiency. Last evaluated: 2019-05-28. Review status: criteria provided, single submitter. Criteria: Mendelics Assertion Criteria 2017. Collection method: clinical testing. Allele origin: unknown.

OMIM
Classification: Pathogenic for ARGININOSUCCINIC ACIDURIA. Last evaluated: 1990-12-01. Review status: no assertion criteria provided. Collection method: literature only. Allele origin: germline. Not counted in ClinVar's aggregate classification.

Literature cited by the submitters: PubMed 2263616 (cited by 3 submitters); PubMed 9045711 (cited by Labcorp Genetics (formerly Invitae), Labcorp and Dasa); PubMed 25778938 (cited by 3 submitters); PubMed 26745957 (cited by Labcorp Genetics (formerly Invitae), Labcorp and Dasa); PubMed 24166829 (cited by Labcorp Genetics (formerly Invitae), Labcorp).

NM_000048.4(ASL):c.283C>T (p.Arg95Cys)

Gene: ASL (argininosuccinate lyase; plus strand). Cytogenetic location: 7q11.21.
Variant type: single nucleotide variant.
Coding change: c.283C>T on transcript NM_000048.4 (MANE Select); coding-DNA position 283, C replaced by T.
Protein change: p.Arg95Cys; replaces arginine 95 with cysteine.
Molecular consequence: missense variant.
Genome position (GRCh38, 1-based): chr7:66,082,443, C>T. VCF-style: chr7-66082443-C-T. GRCh37 (hg19) VCF-style: chr7-65547430-C-T.
Other names: c.283C>T, p.Arg95Cys (NM_001024943.2, NM_001024944.2, NM_001024946.2); short protein forms R95C.
Identifiers: ClinVar variation 2398 (VCV000002398.19), dbSNP rs28940585, ClinGen allele CA252262.
Genomic context (GRCh38, chr7:66,082,443, plus strand): 5'-GCCCAGGGCACCTTCAAACTGAACTCCAATGATGAGGACATCCACACAGCCAATGAGCGC[C>T]GCCTGAAGGTACGACCCCTGGAGCCCCACCGCTTTCCTTGCCTCCCCTCTCCACCTTGCC-3'
Protein context (NP_000039.2, residues 85-105): DEDIHTANER[Arg95Cys]LKELIGATAG